The following is an entry in ClinVar:

NM_000179.3(MSH6):c.4070T>G (p.Ile1357Ser)

Gene: MSH6 (mutS homolog 6; plus strand). Cytogenetic location: 2p16.3.
Variant type: single nucleotide variant.
Coding change: c.4070T>G on transcript NM_000179.3 (MANE Select); coding-DNA position 4070, T replaced by G.
Protein change: p.Ile1357Ser; replaces isoleucine 1357 with serine.
Molecular consequence: missense variant.
Genome position (GRCh38, 1-based): chr2:47,806,847, T>G. VCF-style: chr2-47806847-T-G. GRCh37 (hg19) VCF-style: chr2-48033986-T-G.
Other names: c.3680T>G, p.Ile1227Ser (NM_001281492.2); c.3164T>G, p.Ile1055Ser (NM_001281493.2, NM_001281494.2); short protein forms I1357S, I1227S, I1055S.
Identifiers: ClinVar variation 573538 (VCV000573538.17), dbSNP rs1209834047, ClinGen allele CA346761755.

ClinVar aggregate classification (germline): Uncertain significance. Review status: criteria provided, multiple submitters, no conflicts (2 of 4 stars). 4 submissions from 4 submitters: Uncertain significance (4). Last evaluated 2025-02-27.

Conditions:
Hereditary nonpolyposis colorectal neoplasms. Identifiers: MedGen C0009405, MeSH D003123.
Hereditary cancer-predisposing syndrome. Also called: Neoplastic Syndromes, Hereditary; Hereditary Cancer Syndrome; Tumor predisposition; Hereditary neoplastic syndrome. Identifiers: Orphanet 140162, MedGen C0027672, MeSH D009386, MONDO:0015356.

Allele frequency attached by ClinVar (database versions not stated): TOPMed 0.00001.

Submissions (4):

Labcorp Genetics (formerly Invitae), Labcorp
Classification: Uncertain significance for Hereditary nonpolyposis colorectal neoplasms. Last evaluated: 2025-02-27. Review status: criteria provided, single submitter. Criteria: Invitae Variant Classification Sherloc (09022015). Collection method: clinical testing. Allele origin: germline.
Comment: This sequence change replaces isoleucine, which is neutral and non-polar, with serine, which is neutral and polar, at codon 1357 of the MSH6 protein (p.Ile1357Ser). This variant is not present in population databases (gnomAD no frequency). This variant has not been reported in the literature in individuals affected with MSH6-related conditions. ClinVar contains an entry for this variant (Variation ID: 573538). Invitae Evidence Modeling of protein sequence and biophysical properties (such as structural, functional, and spatial information, amino acid conservation, physicochemical variation, residue mobility, and thermodynamic stability) indicates that this missense variant is not expected to disrupt MSH6 protein function with a negative predictive value of 95%. In summary, the available evidence is currently insufficient to determine the role of this variant in disease. Therefore, it has been classified as a Variant of Uncertain Significance.

Ambry Genetics
Classification: Uncertain significance for Hereditary cancer-predisposing syndrome. Last evaluated: 2025-01-02. Review status: criteria provided, single submitter. Criteria: Ambry Variant Classification Scheme 2023. Collection method: clinical testing. Allele origin: germline.
Comment: The p.I1357S variant (also known as c.4070T>G), located in coding exon 10 of the MSH6 gene, results from a T to G substitution at nucleotide position 4070. The isoleucine at codon 1357 is replaced by serine, an amino acid with dissimilar properties. This amino acid position is not well conserved in available vertebrate species. In addition, the in silico prediction for this alteration is inconclusive. Based on the available evidence, the clinical significance of this variant remains unclear.

Color Diagnostics, LLC DBA Color Health
Classification: Uncertain significance for Hereditary cancer-predisposing syndrome. Last evaluated: 2024-03-06. Review status: criteria provided, single submitter. Criteria: ACMG Guidelines, 2015. Collection method: clinical testing. Allele origin: germline.
Comment: This missense variant replaces isoleucine with serine at codon 1357 of the MSH6 protein. Computational prediction is inconclusive regarding the impact of this variant on protein structure and function (internally defined REVEL score threshold 0.5 < inconclusive < 0.7, PMID: 27666373). To our knowledge, functional studies have not been reported for this variant. This variant has not been reported in individuals affected with MSH6-related disorders in the literature. This variant has not been identified in the general population by the Genome Aggregation Database (gnomAD). The available evidence is insufficient to determine the role of this variant in disease conclusively. Therefore, this variant is classified as a Variant of Uncertain Significance.

Sema4
Classification: Uncertain significance for Hereditary cancer-predisposing syndrome. Last evaluated: 2021-12-20. Review status: criteria provided, single submitter. Criteria: Sema4 Curation Guidelines. Collection method: curation. Allele origin: germline.
Comment: To the best of our knowledge, the MSH6 c.4070T>G (p.I1357S) variant has not been reported in individuals with MSH6-related disease. It was not observed in the large and broad cohorts of the Genome Aggregation Database (PMID: 32461654). This variant has been reported in ClinVar (Variation ID: 573538). Functional studies have not been performed, and in silico predictions of the variant's effect on protein function are inconclusive. The evidence is insufficient to meet ACMG/AMP criteria for classifying the variant as benign or pathogenic. Thus, the clinical significance of this variant is currently uncertain.